The following is an entry in ClinVar:

ClinVar aggregate classification (germline): Uncertain significance. Review status: criteria provided, multiple submitters, no conflicts (2 of 4 stars). 2 submissions from 2 submitters: Uncertain significance (2). Last evaluated 2025-11-05.

Conditions:
Neuronopathy, distal hereditary motor, autosomal recessive 8. Also called: SORBITOL DEHYDROGENASE DEFICIENCY WITH PERIPHERAL NEUROPATHY; SORBITOL DEHYDROGENASE DEFICIENCY; NEUROPATHY, DISTAL HEREDITARY MOTOR, AUTOSOMAL RECESSIVE 8. Identifiers: Orphanet 700508, MedGen C5394466, MONDO:0030055, OMIM 618912.

gnomAD v4.1: 23 of 1,609,698 alleles (0.0014%); highest among the groups gnomAD compares: Middle Eastern, 0.017%; no homozygotes.

Submissions (2):

Women's Health and Genetics/Laboratory Corporation of America, LabCorp
Classification: Uncertain significance. Last evaluated: 2025-11-05. Review status: criteria provided, single submitter. Criteria: LabCorp Variant Classification Summary - May 2015. Collection method: clinical testing. Allele origin: germline.
Comment: Variant summary: SORD c.778G>C (p.Gly260Arg) results in a non-conservative amino acid change in the encoded protein sequence. Algorithms developed to predict the effect of missense changes on protein structure and function are either unavailable or do not agree on the potential impact of this missense change. The variant allele was found at a frequency of 2.9e-05 in 243392 control chromosomes. The available data on variant occurrences in the general population are insufficient to allow any conclusion about variant significance. To our knowledge, no occurrence of c.778G>C in individuals affected with SORD-related conditions and no experimental evidence demonstrating its impact on protein function have been reported. ClinVar contains an entry for this variant (Variation ID: 4076193). Based on the evidence outlined above, the variant was classified as uncertain significance.

Laboratorio de Genetica e Diagnostico Molecular, Hospital Israelita Albert Einstein
Classification: Uncertain significance for Neuronopathy, distal hereditary motor, autosomal recessive 8. Last evaluated: 2023-07-03. Review status: criteria provided, single submitter. Criteria: ACMG Guidelines, 2015. Collection method: clinical testing. Allele origin: germline. Affected: yes.
Comment: ACMG classification criteria: PM2 moderate, PM3 moderate, BP4 supporting

NM_003104.6(SORD):c.778G>C (p.Gly260Arg)

Gene: SORD (sorbitol dehydrogenase; plus strand). Cytogenetic location: 15q21.1.
Variant type: single nucleotide variant.
Coding change: c.778G>C on transcript NM_003104.6 (MANE Select); coding-DNA position 778, G replaced by C.
Protein change: p.Gly260Arg; replaces glycine 260 with arginine.
Molecular consequence: missense variant. On other transcripts: non-coding transcript variant (1).
Genome position (GRCh38, 1-based): chr15:45,069,044, G>C. VCF-style: chr15-45069044-G-C. GRCh37 (hg19) VCF-style: chr15-45361242-G-C.
Other names: short protein forms G260R.
Identifiers: ClinVar variation 4076193 (VCV004076193.2).